The following is an entry in ClinVar:

ClinVar aggregate classification (germline): Uncertain significance. Review status: criteria provided, multiple submitters, no conflicts (2 of 4 stars). 2 submissions from 2 submitters: Uncertain significance (2). Last evaluated 2025-01-27.

Conditions:
Cardiovascular phenotype. Identifiers: MedGen CN230736.
Walker-Warburg congenital muscular dystrophy. Also called: Muscular dystrophy-dystroglycanopathy, type A; Walker-Warburg syndrome. Identifiers: Orphanet 899, MedGen C0265221, MONDO:0000171.

Allele frequency attached by ClinVar (database versions not stated): gnomAD exomes below 0.00001.

Submissions (2):

Labcorp Genetics (formerly Invitae), Labcorp
Classification: Uncertain significance for Walker-Warburg congenital muscular dystrophy. Last evaluated: 2025-01-27. Review status: criteria provided, single submitter. Criteria: Invitae Variant Classification Sherloc (09022015). Collection method: clinical testing. Allele origin: germline.
Comment: This sequence change replaces glutamic acid, which is acidic and polar, with lysine, which is basic and polar, at codon 177 of the FKRP protein (p.Glu177Lys). This variant is not present in population databases (gnomAD no frequency). This variant has not been reported in the literature in individuals affected with FKRP-related conditions. ClinVar contains an entry for this variant (Variation ID: 1746676). Invitae Evidence Modeling of protein sequence and biophysical properties (such as structural, functional, and spatial information, amino acid conservation, physicochemical variation, residue mobility, and thermodynamic stability) indicates that this missense variant is not expected to disrupt FKRP protein function with a negative predictive value of 80%. In summary, the available evidence is currently insufficient to determine the role of this variant in disease. Therefore, it has been classified as a Variant of Uncertain Significance.

Ambry Genetics
Classification: Uncertain significance for Cardiovascular phenotype. Last evaluated: 2024-11-30. Review status: criteria provided, single submitter. Criteria: Ambry Variant Classification Scheme 2023. Collection method: clinical testing. Allele origin: germline.
Comment: The p.E177K variant (also known as c.529G>A), located in coding exon 1 of the FKRP gene, results from a G to A substitution at nucleotide position 529. The glutamic acid at codon 177 is replaced by lysine, an amino acid with similar properties. This amino acid position is well conserved in available vertebrate species. In addition, the in silico prediction for this alteration is inconclusive. Since supporting evidence is limited at this time, the clinical significance of this alteration remains unclear.

NM_024301.5(FKRP):c.529G>A (p.Glu177Lys)

Gene: FKRP (fukutin related protein; plus strand). Cytogenetic location: 19q13.32.
Variant type: single nucleotide variant.
Coding change: c.529G>A on transcript NM_024301.5 (MANE Select); coding-DNA position 529, G replaced by A.
Protein change: p.Glu177Lys; replaces glutamic acid 177 with lysine.
Molecular consequence: missense variant.
Genome position (GRCh38, 1-based): chr19:46,755,979, G>A. VCF-style: chr19-46755979-G-A. GRCh37 (hg19) VCF-style: chr19-47259236-G-A.
Other names: c.529G>A, p.Glu177Lys (NM_001039885.3); short protein forms E177K.
Identifiers: ClinVar variation 1746676 (VCV001746676.6), dbSNP rs727502843, ClinGen allele CA295343.